The following is an entry in ClinVar:

ClinVar aggregate classification (germline): Uncertain significance (1 of 4 stars; one submission).

Allele frequency attached by ClinVar (database versions not stated): gnomAD exomes 0.00001; gnomAD 0.00002; TOPMed 0.00004.
gnomAD v4.1: 14 of 1,563,268 alleles (0.0009%); highest among the groups gnomAD compares: Non-Finnish European, 0.0012%; no homozygotes.

Submission:

Labcorp Genetics (formerly Invitae), Labcorp
Classification: Uncertain significance. Last evaluated: 2022-11-23. Review status: criteria provided, single submitter. Criteria: Invitae Variant Classification Sherloc (09022015). Collection method: clinical testing. Allele origin: germline.
Comment: This variant is present in population databases (no rsID available, gnomAD 0.004%). This sequence change falls in intron 15 of the ITGA8 gene. It does not directly change the encoded amino acid sequence of the ITGA8 protein. This variant has not been reported in the literature in individuals affected with ITGA8-related conditions. Algorithms developed to predict the effect of sequence changes on RNA splicing suggest that this variant may disrupt the consensus splice site. In summary, the available evidence is currently insufficient to determine the role of this variant in disease. Therefore, it has been classified as a Variant of Uncertain Significance.

NM_003638.3(ITGA8):c.1554-12T>C

Gene: ITGA8 (integrin subunit alpha 8; minus strand). Cytogenetic location: 10p13.
Variant type: single nucleotide variant.
Coding change: c.1554-12T>C on transcript NM_003638.3 (MANE Select); 12 bases into the intron before coding-DNA position 1554, T replaced by C.
Molecular consequence: intron variant.
Genome position (GRCh38, 1-based): chr10:15,608,302, A>G on the plus strand (T>C on the coding strand, the complement: ITGA8 is on the minus strand). VCF-style: chr10-15608302-A-G. GRCh37 (hg19) VCF-style: chr10-15650301-A-G.
Other names: c.1509-12T>C (NM_001291494.2).
Identifiers: ClinVar variation 2976040 (VCV002976040.3), dbSNP rs944887575, ClinGen allele CA203493264.